The following is an entry in ClinVar:

NM_005502.4(ABCA1):c.4807A>G (p.Ser1603Gly)

Gene: ABCA1 (ATP binding cassette subfamily A member 1; minus strand). Cytogenetic location: 9q31.1.
Variant type: single nucleotide variant.
Coding change: c.4807A>G on transcript NM_005502.4 (MANE Select); coding-DNA position 4807, A replaced by G.
Protein change: p.Ser1603Gly; replaces serine 1603 with glycine.
Molecular consequence: missense variant.
Genome position (GRCh38, 1-based): chr9:104,799,955, T>C on the plus strand (A>G on the coding strand, the complement: ABCA1 is on the minus strand). VCF-style: chr9-104799955-T-C. GRCh37 (hg19) VCF-style: chr9-107562236-T-C.
Other names: short protein forms S1603G.
Identifiers: ClinVar variation 3833409 (VCV003833409.1).

ClinVar aggregate classification (germline): Uncertain significance (1 of 4 stars; one submission).

Conditions:
Cardiovascular phenotype. Identifiers: MedGen CN230736.

gnomAD v4.1: 1 of 1,614,148 alleles (0.000062%); highest among the groups gnomAD compares: Non-Finnish European, 0.000085%; no homozygotes.

Submission:

Ambry Genetics
Classification: Uncertain significance for Cardiovascular phenotype. Last evaluated: 2025-01-27. Review status: criteria provided, single submitter. Criteria: Ambry Variant Classification Scheme 2023. Collection method: clinical testing. Allele origin: germline.
Comment: The p.S1603G variant (also known as c.4807A>G), located in coding exon 35 of the ABCA1 gene, results from an A to G substitution at nucleotide position 4807. The serine at codon 1603 is replaced by glycine, an amino acid with similar properties. This amino acid position is conserved. In addition, this alteration is predicted to be tolerated by in silico analysis. Based on the available evidence, the clinical significance of this variant remains unclear.